The following is an entry in ClinVar:

NM_002180.3(IGHMBP2):c.151C>G (p.Gln51Glu)

Gene: IGHMBP2 (immunoglobulin mu DNA binding protein 2; plus strand). Cytogenetic location: 11q13.3.
Variant type: single nucleotide variant.
Coding change: c.151C>G on transcript NM_002180.3 (MANE Select); coding-DNA position 151, C replaced by G.
Protein change: p.Gln51Glu; replaces glutamine 51 with glutamic acid.
Molecular consequence: missense variant.
Genome position (GRCh38, 1-based): chr11:68,906,133, C>G. VCF-style: chr11-68906133-C-G. GRCh37 (hg19) VCF-style: chr11-68673601-C-G.
Other names: p.Gln51Glu; short protein forms Q51E.
Identifiers: ClinVar variation 258557 (VCV000258557.75), dbSNP rs117061430, ClinGen allele CA6153199.

ClinVar aggregate classification (germline): Benign/Likely benign. Review status: criteria provided, multiple submitters, no conflicts (2 of 4 stars). 11 submissions from 11 submitters: Benign (5); Likely benign (4). 2 of the submissions do not count toward it. Last evaluated 2026-08-01.

Conditions:
IGHMBP2-related disorder. Also called: IGHMBP2-related condition; IGHMBP2-related disorders.
Charcot-Marie-Tooth disease axonal type 2S. Also called: CHARCOT-MARIE-TOOTH NEUROPATHY, TYPE 2S; CHARCOT-MARIE-TOOTH DISEASE, AXONAL, AUTOSOMAL RECESSIVE, TYPE 2S. Identifiers: Orphanet 443073, MedGen C4015349, MONDO:0014511, OMIM 616155.
Autosomal recessive distal spinal muscular atrophy 1. Also called: NEURONOPATHY, SEVERE INFANTILE AXONAL, WITH RESPIRATORY FAILURE; SEVERE INFANTILE AXONAL NEUROPATHY WITH RESPIRATORY FAILURE; SPINAL MUSCULAR ATROPHY, DIAPHRAGMATIC; Spinal muscular atrophy with respiratory distress 1; HMN VI; NEURONOPATHY, DISTAL HEREDITARY MOTOR, HARDING TYPE VI. Identifiers: Orphanet 98920, MedGen C1858517, MONDO:0011436, OMIM 604320.
Charcot-Marie-Tooth disease. Also called: Charcot-Marie-Tooth Hereditary Neuropathy; Charcot-Marie-Tooth Neuropathy. Identifiers: Orphanet 166, MedGen C0007959, MONDO:0015626.

Allele frequency attached by ClinVar (database versions not stated): TOPMed 0.00378; 1000 Genomes Project 0.00399; 1000 Genomes Project 30x 0.00406; ESP Exome Variant Server 0.00493; gnomAD 0.00493 and 0.00506; gnomAD exomes 0.00606 and 0.00613.
gnomAD v4.1: 9,594 of 1,614,180 alleles (0.59%); highest among the groups gnomAD compares: Non-Finnish European, 0.66%; 47 homozygotes.

Submissions (11):

CeGaT Center for Human Genetics Tuebingen
Classification: Likely benign. Last evaluated: 2026-08-01. Review status: criteria provided, single submitter. Criteria: CeGaT Center For Human Genetics Tuebingen Variant Classification Criteria Version 2. Collection method: clinical testing. Allele origin: germline. Affected: yes. Observed: 30 variant alleles.
Comment: IGHMBP2: BS2

Labcorp Genetics (formerly Invitae), Labcorp
Classification: Benign for Autosomal recessive distal spinal muscular atrophy 1; Charcot-Marie-Tooth disease axonal type 2S. Last evaluated: 2026-01-28. Review status: criteria provided, single submitter. Criteria: Invitae Variant Classification Sherloc (09022015). Collection method: clinical testing. Allele origin: germline.

ARUP Laboratories, Molecular Genetics and Genomics, ARUP Laboratories
Classification: Benign. Last evaluated: 2023-11-09. Review status: criteria provided, single submitter. Criteria: ARUP Molecular Germline Variant Investigation Process 2024. Collection method: clinical testing. Allele origin: germline.

Illumina Laboratory Services, Illumina
Classification: Likely benign for Autosomal recessive distal spinal muscular atrophy 1. Last evaluated: 2018-01-13. Review status: criteria provided, single submitter. Criteria: ICSL Variant Classification Criteria 13 December 2019. Collection method: clinical testing. Allele origin: germline.
Comment: This variant was observed in the ICSL laboratory as part of a predisposition screen in an ostensibly healthy population. It had not been previously curated by ICSL or reported in the Human Gene Mutation Database (HGMD: prior to June 1st, 2018), and was therefore a candidate for classification through an automated scoring system. Utilizing variant allele frequency, disease prevalence and penetrance estimates, and inheritance mode, an automated score was calculated to assess if this variant is too frequent to cause the disease. Based on the score and internal cut-off values, a variant classified as likely benign is not then subjected to further curation. The score for this variant resulted in a classification of likely benign for this disease.

Mayo Clinic Laboratories, Mayo Clinic
Classification: Benign. Last evaluated: 2016-04-13. Review status: criteria provided, single submitter. Criteria: ACMG Guidelines, 2015. Collection method: clinical testing. Allele origin: germline. Observed: 27 variant alleles.

GeneDx
Classification: Benign. Last evaluated: 2016-04-04. Review status: criteria provided, single submitter. Criteria: GeneDx Variant Classification (06012015). Collection method: clinical testing. Allele origin: germline. Affected: yes.
Comment: This variant is considered likely benign or benign based on one or more of the following criteria: it is a conservative change, it occurs at a poorly conserved position in the protein, it is predicted to be benign by multiple in silico algorithms, and/or has population frequency not consistent with disease.

Genome Diagnostics Laboratory, University Medical Center Utrecht
Classification: Likely benign for Autosomal recessive distal spinal muscular atrophy 1. Last evaluated: 2016-03-11. Review status: criteria provided, single submitter. Criteria: ACGS Guidelines, 2013. Collection method: clinical testing. Allele origin: germline. Affected: yes. Study: VKGL Data-share Consensus.

Eurofins Ntd Llc (ga)
Classification: Benign. Last evaluated: 2015-12-22. Review status: criteria provided, single submitter. Criteria: EGL Classification Definitions 2015. Collection method: clinical testing. Allele origin: germline. Observed: 1 variant allele, 1 heterozygote.

Molecular Genetics Laboratory, London Health Sciences Centre
Classification: Likely benign for Charcot-Marie-Tooth disease. Review status: criteria provided, single submitter. Criteria: ACMG Guidelines, 2015. Collection method: clinical testing. Allele origin: germline. Affected: yes.

PreventionGenetics, part of Exact Sciences
Classification: Benign for IGHMBP2-related condition. Last evaluated: 2023-04-27. Review status: no assertion criteria provided. Collection method: clinical testing. Allele origin: germline. Not counted in ClinVar's aggregate classification.
Comment: This variant is classified as benign based on ACMG/AMP sequence variant interpretation guidelines (Richards et al. 2015 PMID: 25741868, with internal and published modifications).

Clinical Genetics, Academic Medical Center
Classification: Benign. Review status: no assertion criteria provided. Collection method: clinical testing. Allele origin: germline. Affected: yes. Study: VKGL Data-share Consensus. Not counted in ClinVar's aggregate classification.